The following is an entry in ClinVar:

ClinVar aggregate classification (germline): Pathogenic. Review status: criteria provided, multiple submitters, no conflicts (2 of 4 stars). 6 submissions from 5 submitters: Pathogenic (5). 1 of the submissions does not count toward it. Last evaluated 2025-12-15.

Conditions:
Catecholaminergic polymorphic ventricular tachycardia 1. Also called: VENTRICULAR TACHYCARDIA, CATECHOLAMINERGIC POLYMORPHIC, 1, WITH OR WITHOUT ATRIAL DYSFUNCTION AND/OR DILATED CARDIOMYOPATHY; RYR2-Related Catecholaminergic Polymorphic Ventricular Tachycardia; VENTRICULAR TACHYCARDIA, STRESS-INDUCED POLYMORPHIC 1. Identifiers: Orphanet 3286, MedGen C1631597, MONDO:0011484, OMIM 604772.
Catecholaminergic polymorphic ventricular tachycardia 5 (CARDAR). Also called: CARDIAC ARRHYTHMIA SYNDROME, WITH OR WITHOUT SKELETAL MUSCLE WEAKNESS; Ventricular tachycardia, catecholaminergic polymorphic, 5, with or without muscle weakness. Identifiers: Orphanet 3286, MedGen C3809536, MONDO:0014191, OMIM 615441.
Cardiovascular phenotype. Identifiers: MedGen CN230736.

Allele frequency attached by ClinVar (database versions not stated): gnomAD exomes below 0.00001 and 0.00005; ExAC 0.00001; TOPMed 0.00002; gnomAD 0.00003.
gnomAD v4.1: 81 of 1,610,668 alleles (0.005%); highest among the groups gnomAD compares: Non-Finnish European, 0.0067%; no homozygotes.

Submissions (6):

Labcorp Genetics (formerly Invitae), Labcorp
Classification: Pathogenic for Catecholaminergic polymorphic ventricular tachycardia 1. Last evaluated: 2025-12-15. Review status: criteria provided, single submitter. Criteria: Invitae Variant Classification Sherloc (09022015). Collection method: clinical testing. Allele origin: germline.
Comment: This sequence change falls in intron 1 of the TRDN gene. It does not directly change the encoded amino acid sequence of the TRDN protein. This variant is not present in population databases (gnomAD no frequency). This variant has been observed in individual(s) with TRDN-related conditions (PMID: 25922419, 26200674). In at least one individual the data is consistent with being in trans (on the opposite chromosome) from a pathogenic variant. It has also been observed to segregate with disease in related individuals. ClinVar contains an entry for this variant (Variation ID: 1070395). Studies have shown that this variant alters mRNA splicing and is expected to lead to the loss of protein expression (PMID: 26200674). For these reasons, this variant has been classified as Pathogenic.

Fulgent Genetics
Classification: Pathogenic for Catecholaminergic polymorphic ventricular tachycardia 5. Last evaluated: 2024-05-22. Review status: criteria provided, single submitter. Criteria: ACMG Guidelines, 2015. Collection method: clinical testing. Allele origin: germline.

Women's Health and Genetics/Laboratory Corporation of America, LabCorp
Classification: Pathogenic for Catecholaminergic polymorphic ventricular tachycardia 1. Last evaluated: 2024-05-21. Review status: criteria provided, single submitter. Criteria: LabCorp Variant Classification Summary - May 2015. Collection method: clinical testing. Allele origin: germline.
Comment: Variant summary: TRDN c.22+29A>G is located at a position not widely known to affect splicing. Several computational tools predict a significant impact on normal splicing: Three out of four predict the variant strengthens a cryptic 5' donor site. At least one publication reports experimental evidence that this variant affects mRNA splicing by strengthening a cryptic splice donor site in intron 1, resulting in inclusion of 29 nucleotides from the intron (Rooryck_2015). The variant allele was found at a frequency of 4e-06 in 247606 control chromosomes. c.22+29A>G has been reported in the literature in compound heterozygous individuals affected with Catecholaminergic Polymorphic Ventricular Tachycardia or suspected Long QT Syndrome (examples: Rooryck_2015, Altmann_2015, Clemens_2020). These data indicate that the variant is likely to be associated with disease. The following publications have been ascertained in the context of this evaluation (PMID: 25922419, 32402482, 26200674). ClinVar contains an entry for this variant (Variation ID: 1070395). Based on the evidence outlined above, the variant was classified as pathogenic.

Ambry Genetics
Classification: Pathogenic for Cardiovascular phenotype. Last evaluated: 2022-07-26. Review status: criteria provided, single submitter. Criteria: Ambry Variant Classification Scheme 2023. Collection method: clinical testing. Allele origin: germline.
Comment: The c.22+29A>G intronic pathogenic mutation results from an A to G substitution 29 nucleotides after coding exon 1 in the TRDN gene. This mutation has been reported to be in trans with the TRDN truncating mutation p.Q205* in three siblings, two of whom were diagnosed with catecholaminergic polymorphic ventricular tachycardia (CPVT). An in vitro minigene assay revealed that the mutation causes abnormal splicing, leading to inclusion of 29 nucleotides from intron 1 and hence a frameshift with a predicted alternate stop codon (p.N9Ifs*7) (Rooryck C et al. J. Cardiovasc. Electrophysiol. 2015;26:1146-50). This variant is considered to be rare based on population cohorts in the Genome Aggregation Database (gnomAD). In silico splice site analysis predicts that this alteration will result in the creation or strengthening of a novel splice donor site. Based on the supporting evidence, this alteration is interpreted as a disease-causing mutation.

Fulgent Genetics
Classification: Pathogenic for Catecholaminergic polymorphic ventricular tachycardia 1; Catecholaminergic polymorphic ventricular tachycardia 5. Last evaluated: 2021-10-09. Review status: criteria provided, single submitter. Criteria: ACMG Guidelines, 2015. Collection method: clinical testing. Allele origin: unknown.

OMIM
Classification: Pathogenic for CARDIAC ARRHYTHMIA SYNDROME WITH OR WITHOUT SKELETAL MUSCLE WEAKNESS. Last evaluated: 2021-09-16. Review status: no assertion criteria provided. Collection method: literature only. Allele origin: germline. Not counted in ClinVar's aggregate classification.

Literature cited by the submitters: PubMed 25922419 (cited by 3 submitters); PubMed 26200674 (cited by 4 submitters); PubMed 32402482 (cited by Women's Health and Genetics/Laboratory Corporation of America, LabCorp); Altmann, H. M., Tester, D. J., Will, M. L., Middha, S., Evans, J. M., Eckloff, B. W., Ackerman, M. J. Homozygous/compound heterozygous triadin mutations associated with autosomal-recessive long-QT syndrome and pediatric sudden cardiac arrest: elucidation of the triadin knockout syndrome. Circulation 131: 2051-2060, 2015. (cited by OMIM).

NM_006073.4(TRDN):c.22+29A>G

Gene: TRDN (triadin; minus strand). Cytogenetic location: 6q22.31.
Variant type: single nucleotide variant.
Coding change: c.22+29A>G on transcript NM_006073.4 (MANE Select); 29 bases into the intron after coding-DNA position 22, A replaced by G.
Molecular consequence: intron variant.
Genome position (GRCh38, 1-based): chr6:123,636,725, T>C on the plus strand (A>G on the coding strand, the complement: TRDN is on the minus strand). VCF-style: chr6-123636725-T-C. GRCh37 (hg19) VCF-style: chr6-123957870-T-C.
Other names: IVS1, A-G, +29; c.22+29A>G (NM_001251987.2, NM_001256020.2, NM_001256021.2 and 2 more transcripts).
Identifiers: ClinVar variation 1070395 (VCV001070395.16), dbSNP rs774068079, ClinGen allele CA3984519.